The following is an entry in ClinVar:

NM_000069.3(CACNA1S):c.4537A>G (p.Ile1513Val)

Gene: CACNA1S (calcium voltage-gated channel subunit alpha1 S; minus strand). Cytogenetic location: 1q32.1.
Variant type: single nucleotide variant.
Coding change: c.4537A>G on transcript NM_000069.3 (MANE Select); coding-DNA position 4537, A replaced by G.
Protein change: p.Ile1513Val; replaces isoleucine 1513 with valine.
Molecular consequence: missense variant.
Genome position (GRCh38, 1-based): chr1:201,047,531, T>C on the plus strand (A>G on the coding strand, the complement: CACNA1S is on the minus strand). VCF-style: chr1-201047531-T-C. GRCh37 (hg19) VCF-style: chr1-201016659-T-C.
Other names: short protein forms I1513V.
Identifiers: ClinVar variation 3071361 (VCV003071361.2), dbSNP rs1660509915, ClinGen allele CA344142902.
Genomic context (GRCh38, chr1:201,047,531, plus strand): 5'-CCACTCCCATTCCTTGGCTGCTTCTGGACTCTGGTCCCCCAAAGTAGCACCTACCTCCTA[T>C]TGGAGGGATGACCTGGTCCAAGAGCTTCATGCTGGTTCTCTTCCAGATCTTCTTGATGAT-3'
Protein context (NP_000060.2, residues 1503-1523): MKLLDQVIPP[Ile1513Val]GDDEVTVGKF

ClinVar aggregate classification (germline): Uncertain significance (1 of 4 stars; one submission).

Conditions:
Malignant hyperthermia, susceptibility to, 5 (MHS5). Also called: CACNA1S-Related Malignant Hyperthermia Susceptibility. Identifiers: Orphanet 423, MedGen C1866077, MONDO:0011163, OMIM 601887.

Allele frequency attached by ClinVar (database versions not stated): gnomAD exomes below 0.00001; gnomAD 0.00001; TOPMed 0.00001.
gnomAD v4.1: 3 of 1,613,170 alleles (0.00019%); highest among the groups gnomAD compares: Admixed American, 0.0017%; no homozygotes.

Submission:

All of Us Research Program, National Institutes of Health
Classification: Uncertain significance for Malignant hyperthermia, susceptibility to, 5. Last evaluated: 2024-04-16. Review status: criteria provided, single submitter. Criteria: ACMG Guidelines, 2015. Collection method: clinical testing. Allele origin: germline. Inheritance: Autosomal dominant inheritance. Observed: 3 variant alleles, 3 heterozygotes.
Comment: This missense variant replaces isoleucine with valine at codon 1513 of the CACNA1S protein. Computational prediction suggests that this variant may not impact protein structure and function (internally defined REVEL score threshold <= 0.5, PMID: 27666373). To our knowledge, functional studies have not been reported for this variant. This variant has not been reported in individuals affected with CACNA1S-related disorders in the literature. This variant has not been identified in the general population by the Genome Aggregation Database (gnomAD). The available evidence is insufficient to determine the role of this variant in disease conclusively. Therefore, this variant is classified as a Variant of Uncertain Significance.

This study involves interpretation of variants in research participants for the purpose of population health screening. Participant phenotype was not available at the time of variant classification. Additional details can be found in publication PMID: 35346344, PMCID: PMC8962531